The following is an entry in ClinVar:

ClinVar aggregate classification (germline): Uncertain significance (1 of 4 stars; one submission).

Conditions:
Chédiak-Higashi syndrome (CHS). Also called: Chediak-Higashi Syndrome. Identifiers: Orphanet 167, MedGen C0007965, MONDO:0008963, OMIM 214500.

Submission:

Labcorp Genetics (formerly Invitae), Labcorp
Classification: Uncertain significance for ChÃ©diak-Higashi syndrome. Last evaluated: 2019-11-03. Review status: criteria provided, single submitter. Criteria: Invitae Variant Classification Sherloc (09022015). Collection method: clinical testing. Allele origin: germline.
Comment: This sequence change replaces asparagine with histidine at codon 1501 of the LYST protein (p.Asn1501His). The asparagine residue is weakly conserved and there is a small physicochemical difference between asparagine and histidine. This variant is not present in population databases (ExAC no frequency). This variant has not been reported in the literature in individuals with LYST-related conditions. Algorithms developed to predict the effect of missense changes on protein structure and function are either unavailable or do not agree on the potential impact of this missense change (SIFT: "Tolerated"; PolyPhen-2: "Probably Damaging"; Align-GVGD: "Class C0"). In summary, the available evidence is currently insufficient to determine the role of this variant in disease. Therefore, it has been classified as a Variant of Uncertain Significance.

NM_000081.4(LYST):c.4501A>C (p.Asn1501His)

Gene: LYST (lysosomal trafficking regulator; minus strand). Cytogenetic location: 1q42.3.
Variant type: single nucleotide variant.
Coding change: c.4501A>C on transcript NM_000081.4 (MANE Select); coding-DNA position 4501, A replaced by C.
Protein change: p.Asn1501His; replaces asparagine 1501 with histidine.
Molecular consequence: missense variant.
Genome position (GRCh38, 1-based): chr1:235,791,741, T>G on the plus strand (A>C on the coding strand, the complement: LYST is on the minus strand). VCF-style: chr1-235791741-T-G. GRCh37 (hg19) VCF-style: chr1-235955041-T-G.
Other names: c.4501A>C, p.Asn1501His (NM_001301365.1); short protein forms N1501H.
Identifiers: ClinVar variation 966328 (VCV000966328.1), dbSNP rs2526906969, ClinGen allele CA344959175.